The following is an entry in ClinVar:

NM_001330260.2(SCN8A):c.5891dup (p.Arg1965fs)

Gene: SCN8A (sodium voltage-gated channel alpha subunit 8; plus strand). Cytogenetic location: 12q13.13.
Variant type: Duplication.
Coding change: c.5891dup on transcript NM_001330260.2 (MANE Select); coding-DNA position 5891, one base duplicated (G; older notation c.5891dupG).
Protein change: p.Arg1965fs; shifts the reading frame from arginine 1965.
Molecular consequence: frameshift variant.
Genome position (GRCh38, 1-based): chr12:51,807,377, G duplicated; the last of 2 consecutive G bases (chr12:51,807,376-51,807,377); duplicating either gives the same sequence. VCF-style (leftmost placement, unchanged base first): chr12-51807375-A-AG. GRCh37 (hg19) VCF-style: chr12-52201159-A-AG.
Other names: c.5768dup, p.Arg1924fs (NM_001177984.3, NM_001369788.1); c.5891dup, p.Arg1965fs (NM_014191.4); short protein forms R1924fs, R1965fs.
Identifiers: ClinVar variation 4718205 (VCV004718205.1).
Genomic context (GRCh38, chr12:51,807,375, plus strand): 5'-CCTCCCGTCCTATGACAGTGTAACTAAACCTGAAAAGGAGAAACAGCAGCGGGCAGAGGA[A>AG]GGAAGAAGGGAAAGAGCCAAAAGACAAAAAGAGGTCAGAGAATCCAAGTGTTAGAGGAGA-3'

ClinVar aggregate classification (germline): Uncertain significance (1 of 4 stars; one submission).

Conditions:
Early-infantile DEE. Also called: Early infantile epileptic encephalopathy; Ohtahara syndrome; Early infantile epileptic encephalopathy with suppression bursts. Identifiers: Orphanet 1934, MedGen C0393706, MONDO:0800491.

Submission:

Labcorp Genetics (formerly Invitae), Labcorp
Classification: Uncertain significance for Early-infantile DEE. Last evaluated: 2025-04-28. Review status: criteria provided, single submitter. Criteria: Invitae Variant Classification Sherloc (09022015). Collection method: clinical testing. Allele origin: germline.
Comment: This sequence change is expected to alter the c-terminus of the SCN8A protein (p.Arg1965Lysfs*33). While this is not anticipated to result in nonsense mediated decay, it is expected to disrupt the last 16 amino acid(s) of the SCN8A protein and extend the protein by 16 additional amino acid residues. This variant is not present in population databases (gnomAD no frequency). This variant has not been reported in the literature in individuals affected with SCN8A-related conditions. Experimental studies and prediction algorithms are not available or were not evaluated, and the functional significance of this variant is currently unknown. In summary, the available evidence is currently insufficient to determine the role of this variant in disease. Therefore, it has been classified as a Variant of Uncertain Significance.